The following is an entry in ClinVar:

ClinVar aggregate classification (germline): Uncertain significance (1 of 4 stars; one submission).

Conditions:
Hereditary cancer-predisposing syndrome. Also called: Tumor predisposition; Hereditary neoplastic syndrome; Hereditary Cancer Syndrome; Neoplastic Syndromes, Hereditary. Identifiers: Orphanet 140162, MedGen C0027672, MeSH D009386, MONDO:0015356.

Submission:

Ambry Genetics
Classification: Uncertain significance for Hereditary cancer-predisposing syndrome. Last evaluated: 2023-09-21. Review status: criteria provided, single submitter. Criteria: Ambry Variant Classification Scheme 2023. Collection method: clinical testing. Allele origin: germline.
Comment: The p.L545I variant (also known as c.1633C>A), located in coding exon 14 of the MRE11A gene, results from a C to A substitution at nucleotide position 1633. The leucine at codon 545 is replaced by isoleucine, an amino acid with highly similar properties. This amino acid position is conserved. In addition, this alteration is predicted to be tolerated by in silico analysis. Since supporting evidence is limited at this time, the clinical significance of this alteration remains unclear.

NM_005591.4(MRE11):c.1633C>A (p.Leu545Ile)

Gene: MRE11 (MRE11 double strand break repair nuclease; minus strand). Cytogenetic location: 11q21.
Variant type: single nucleotide variant.
Coding change: c.1633C>A on transcript NM_005591.4 (MANE Select); coding-DNA position 1633, C replaced by A.
Protein change: p.Leu545Ile; replaces leucine 545 with isoleucine.
Molecular consequence: missense variant.
Genome position (GRCh38, 1-based): chr11:94,447,369, G>T on the plus strand (C>A on the coding strand, the complement: MRE11 is on the minus strand). VCF-style: chr11-94447369-G-T. GRCh37 (hg19) VCF-style: chr11-94180535-G-T.
Other names: c.1633C>A, p.Leu545Ile (NM_001330347.2, NM_005590.4); short protein forms L545I.
Identifiers: ClinVar variation 3224833 (VCV003224833.1), dbSNP rs1945965518, ClinGen allele CA382368562.